The following is an entry in ClinVar:

ClinVar aggregate classification (germline): Likely pathogenic (1 of 4 stars; one submission).

Conditions:
Cobalamin C disease. Also called: Cobalamin-C methylmalonic acidemia and homocystinuria; Methylmalonic acidemia and homocystinuria cblC type; Methylmalonic aciduria with homocystinuria cblC type; Methylmalonic aciduria and homocystinuria, Vitamin B12-responsive; Vitamin B12 metabolic defect with combined deficiency of methylmalonyl-CoA mutase and homocysteine:methyltetrahydrofolate methyltransferase; methylmalonic aciduria and homocystinuria type cblC. Identifiers: Orphanet 26, Orphanet 79282, MedGen C1848561, MONDO:0010184, OMIM 277400.

Submission:

Natera, Inc.
Classification: Likely pathogenic for Methylmalonic aciduria and homocystinuria cblC type. Last evaluated: 2025-06-18. Review status: criteria provided, single submitter. Criteria: Natera Variant Classification Schema (03/2026). Collection method: clinical testing. Allele origin: germline.
Comment: The c.575del variant in MMACHC is a frameshift variant predicted to shift the reading frame beginning at codon 192 and leads to a stop codon 18 codons downstream. This variant is expected to result in nonsense mediated decay, truncation, or a dysfunctional protein product. This variant is rare in the general population with a frequency below the threshold expected for the associated phenotype(s). Given the available evidence, this variant is classified as Likely Pathogenic.

NM_015506.3(MMACHC):c.575del (p.Leu192fs)

Gene: MMACHC (metabolism of cobalamin associated C; plus strand). Cytogenetic location: 1p34.1.
Variant type: Deletion.
Coding change: c.575del on transcript NM_015506.3 (MANE Select); coding-DNA position 575, one base deleted (T; older notation c.575delT).
Protein change: p.Leu192fs; shifts the reading frame from leucine 192.
Molecular consequence: frameshift variant.
Genome position (GRCh38, 1-based): chr1:45,508,941, T deleted. VCF-style (leftmost placement, unchanged base first): chr1-45508940-CT-C. GRCh37 (hg19) VCF-style: chr1-45974612-CT-C.
Other names: c.404del, p.Leu135fs (NM_001330540.2); short protein forms L135fs, L192fs.
Identifiers: ClinVar variation 4815874 (VCV004815874.1).
Genomic context (GRCh38, chr1:45,508,940, plus strand): 5'-CCAGATCTGCCACCCAGAAAACCTCATGACTGTGTACCTACAAGAGCTGACCGTATCGCC[CT>C]ACTCGAAGGCTTCAATTTCCACTGGCGTGATTGGACTTACCGGGATGCTGTGACACCCCA-3'